The following is an entry in ClinVar:

NM_018668.5(VPS33B):c.572C>G (p.Pro191Arg)

Gene: VPS33B (VPS33B late endosome and lysosome associated; minus strand). Cytogenetic location: 15q26.1.
Variant type: single nucleotide variant.
Coding change: c.572C>G on transcript NM_018668.5 (MANE Select); coding-DNA position 572, C replaced by G.
Protein change: p.Pro191Arg; replaces proline 191 with arginine.
Molecular consequence: missense variant.
Genome position (GRCh38, 1-based): chr15:91,007,500, G>C on the plus strand (C>G on the coding strand, the complement: VPS33B is on the minus strand). VCF-style: chr15-91007500-G-C. GRCh37 (hg19) VCF-style: chr15-91550730-G-C.
Other names: c.491C>G, p.Pro164Arg (NM_001289148.1); c.299C>G, p.Pro100Arg (NM_001289149.1); short protein forms P164R, P100R, P191R.
Identifiers: ClinVar variation 1028607 (VCV001028607.1), dbSNP rs770015890, ClinGen allele CA393855780.

ClinVar aggregate classification (germline): Uncertain significance (1 of 4 stars; one submission).

Conditions:
Arthrogryposis, renal dysfunction, and cholestasis 1 (ARCS1). Identifiers: Orphanet 2697, MedGen C1859722, MONDO:0008822, OMIM 208085.

Submission:

Baylor Genetics
Classification: Uncertain significance for Arthrogryposis, renal dysfunction, and cholestasis 1. Last evaluated: 2019-10-19. Review status: criteria provided, single submitter. Criteria: ACMG Guidelines, 2015. Collection method: clinical testing. Allele origin: unknown. Affected: yes.
Comment: This variant was determined to be of uncertain significance according to ACMG Guidelines, 2015 [PMID:25741868].